The following is an entry in ClinVar:

ClinVar aggregate classification (germline): Uncertain significance (1 of 4 stars; one submission).

Conditions:
Neuropathy, hereditary sensory and autonomic, type 2A (HSAN2A). Also called: HSAN IIA; WNK1-Related HSAN2 (HSAN2A); NEUROPATHY, CONGENITAL SENSORY; NEUROPATHY, HEREDITARY SENSORY RADICULAR, AUTOSOMAL RECESSIVE; NEUROPATHY, HEREDITARY SENSORY, TYPE IIA; NEUROPATHY, PROGRESSIVE SENSORY, OF CHILDREN. Identifiers: Orphanet 970, MedGen C2752089, MONDO:0024309, OMIM 201300.
Generalized epilepsy with febrile seizures plus, type 7 (GEFSP7). Also called: GEFS+, TYPE 7. Identifiers: Orphanet 36387, MedGen C2751778, MONDO:0013470, OMIM 613863.

Allele frequency attached by ClinVar (database versions not stated): gnomAD exomes below 0.00001; ExAC 0.00001; gnomAD 0.00001; TOPMed 0.00001; ESP Exome Variant Server 0.00008.

Submission:

Labcorp Genetics (formerly Invitae), Labcorp
Classification: Uncertain significance for Neuropathy, hereditary sensory and autonomic, type 2A; Generalized epilepsy with febrile seizures plus, type 7. Last evaluated: 2024-12-16. Review status: criteria provided, single submitter. Criteria: Invitae Variant Classification Sherloc (09022015). Collection method: clinical testing. Allele origin: germline.
Comment: This sequence change replaces lysine, which is basic and polar, with asparagine, which is neutral and polar, at codon 836 of the SCN9A protein (p.Lys836Asn). This variant is present in population databases (rs368950217, gnomAD 0.007%). This variant has not been reported in the literature in individuals affected with SCN9A-related conditions. ClinVar contains an entry for this variant (Variation ID: 1513904). Invitae Evidence Modeling of protein sequence and biophysical properties (such as structural, functional, and spatial information, amino acid conservation, physicochemical variation, residue mobility, and thermodynamic stability) has been performed for this missense variant. However, the output from this modeling did not meet the statistical confidence thresholds required to predict the impact of this variant on SCN9A protein function. In summary, the available evidence is currently insufficient to determine the role of this variant in disease. Therefore, it has been classified as a Variant of Uncertain Significance.

NM_001365536.1(SCN9A):c.2541A>C (p.Lys847Asn)

Genes: SCN1A-AS1 (SCN1A and SCN9A antisense RNA 1; plus strand), SCN9A (sodium voltage-gated channel alpha subunit 9; minus strand). Cytogenetic location: 2q24.3.
Variant type: single nucleotide variant.
Coding change: c.2541A>C on transcript NM_001365536.1 (MANE Select); coding-DNA position 2541, A replaced by C.
Protein change: p.Lys847Asn; replaces lysine 847 with asparagine.
Molecular consequence: missense variant.
Genome position (GRCh38, 1-based): chr2:166,277,316, T>G on the plus strand (A>C on the coding strand, the complement: SCN9A is on the minus strand). VCF-style: chr2-166277316-T-G. GRCh37 (hg19) VCF-style: chr2-167133826-T-G.
Other names: c.2508A>C, p.Lys836Asn (NM_002977.4); short protein forms K836N, K847N.
Identifiers: ClinVar variation 1513904 (VCV001513904.6), dbSNP rs368950217, ClinGen allele CA1944244.
Genomic context (GRCh38, chr2:166,277,316, plus strand): 5'-ACCTAGAGCCCCTACTGAGTTACCAATGATCTTAATCAGCATGTTCAATGTTGGCCAGGA[T>G]TTTGCCAACTTGAAGACTCGGAGCTAAAAGCAAATATAAAGTTTAATGTTAATCACTATG-3'
Protein context (NP_001352465.1, residues 837-857): FRLLRVFKLA[Lys847Asn]SWPTLNMLIK